The following is an entry in ClinVar:

NM_033380.3(COL4A5):c.3865G>T (p.Glu1289Ter)

Gene: COL4A5 (collagen type IV alpha 5 chain; plus strand). Cytogenetic location: Xq22.3.
Variant type: single nucleotide variant.
Coding change: c.3865G>T on transcript NM_033380.3 (MANE Select); coding-DNA position 3865, G replaced by T.
Protein change: p.Glu1289Ter; replaces glutamic acid 1289 with a stop codon.
Molecular consequence: nonsense.
Genome position (GRCh38, 1-based): chrX:108,677,556, G>T. VCF-style: chrX-108677556-G-T. GRCh37 (hg19) VCF-style: chrX-107920786-G-T.
Other names: c.3847G>T, p.Glu1283Ter (NM_000495.5); short protein forms E1283*, E1289*.
Identifiers: ClinVar variation 3776237 (VCV003776237.1).

ClinVar aggregate classification (germline): Likely pathogenic (1 of 4 stars; one submission).

Conditions:
X-linked Alport syndrome (ATS1). Also called: NEPHROPATHY AND DEAFNESS, X-LINKED; COL4A5-Related Nephropathy. Identifiers: Orphanet 63, Orphanet 88917, MedGen C4746986, MONDO:0010520, OMIM 301050.

Submission:

3billion
Classification: Likely pathogenic for X-linked Alport syndrome. Last evaluated: 2023-09-24. Review status: criteria provided, single submitter. Criteria: ACMG Guidelines, 2015. Collection method: clinical testing. Allele origin: germline. Affected: yes.
Comment: The variant is not observed in the gnomAD v2.1.1 dataset. Predicted Consequence/Location: Stop-gained (nonsense): predicted to result in a loss or disruption of normal protein function through nonsense-mediated decay (NMD) or protein truncation. Multiple pathogenic variants are reported downstream of the variant. Therefore, this variant is classified as Likely pathogenic according to the recommendation of ACMG/AMP guideline.